The following is an entry in ClinVar:

ClinVar aggregate classification (germline): Likely benign (1 of 4 stars; one submission).

gnomAD v4.1: 5 of 1,614,164 alleles (0.00031%); highest among the groups gnomAD compares: Non-Finnish European, 0.00042%; no homozygotes.

Submission:

GeneDx
Classification: Likely benign. Last evaluated: 2023-03-06. Review status: criteria provided, single submitter. Criteria: GeneDx Variant Classification Process June 2021. Collection method: clinical testing. Allele origin: germline.
Comment: See Variant Classification Assertion Criteria.

NM_006734.4(HIVEP2):c.3031G>T (p.Ala1011Ser)

Gene: HIVEP2 (HIVEP zinc finger 2; minus strand). Cytogenetic location: 6q24.2.
Variant type: single nucleotide variant.
Coding change: c.3031G>T on transcript NM_006734.4 (MANE Select); coding-DNA position 3031, G replaced by T.
Protein change: p.Ala1011Ser; replaces alanine 1011 with serine.
Molecular consequence: missense variant.
Genome position (GRCh38, 1-based): chr6:142,771,708, C>A on the plus strand (G>T on the coding strand, the complement: HIVEP2 is on the minus strand). VCF-style: chr6-142771708-C-A. GRCh37 (hg19) VCF-style: chr6-143092845-C-A.
Other names: short protein forms A1011S.
Identifiers: ClinVar variation 1702765 (VCV001702765.3), dbSNP rs774821538, ClinGen allele CA365907553.